The following is an entry in ClinVar:

ClinVar aggregate classification (germline): Uncertain significance. Review status: criteria provided, multiple submitters, no conflicts (2 of 4 stars). 5 submissions from 5 submitters: Uncertain significance (5). Last evaluated 2025-05-17.

Conditions:
Hereditary cancer-predisposing syndrome. Also called: Tumor predisposition; Neoplastic Syndromes, Hereditary; Hereditary neoplastic syndrome; Hereditary Cancer Syndrome. Identifiers: Orphanet 140162, MedGen C0027672, MeSH D009386, MONDO:0015356.
Classic or attenuated familial adenomatous polyposis. Identifiers: MedGen CN372698, MONDO:0021057.
Familial adenomatous polyposis 1 (FAP1). Also called: POLYPOSIS, ADENOMATOUS INTESTINAL; FAMILIAL ADENOMATOUS POLYPOSIS 1, ATTENUATED. Identifiers: MedGen C2713442, MONDO:0021056, OMIM 175100. Disease mechanism: loss of function.

gnomAD v4.1: 1 of 1,613,928 alleles (0.000062%); highest among the groups gnomAD compares: Non-Finnish European, 0.000085%; no homozygotes.

Submissions (5):

Ambry Genetics
Classification: Uncertain significance for Hereditary cancer-predisposing syndrome. Last evaluated: 2025-05-17. Review status: criteria provided, single submitter. Criteria: Ambry Variant Classification Scheme 2023. Collection method: clinical testing. Allele origin: germline.
Comment: The p.D1871V variant (also known as c.5612A>T), located in coding exon 15 of the APC gene, results from an A to T substitution at nucleotide position 5612. The aspartic acid at codon 1871 is replaced by valine, an amino acid with highly dissimilar properties. This amino acid position is highly conserved in available vertebrate species. In addition, in silico predictors for this gene do not accurately predict pathogenicity. Based on the available evidence, the clinical significance of this variant remains unclear.

Color Diagnostics, LLC DBA Color Health
Classification: Uncertain significance for Hereditary cancer-predisposing syndrome. Last evaluated: 2024-03-06. Review status: criteria provided, single submitter. Criteria: ACMG Guidelines, 2015. Collection method: clinical testing. Allele origin: germline.
Comment: This missense variant replaces aspartic acid with valine at codon 1871 of the APC protein. Computational prediction is inconclusive regarding the impact of this variant on protein structure and function (internally defined REVEL score threshold 0.5 < inconclusive < 0.7, PMID: 27666373). To our knowledge, functional studies have not been reported for this variant. This variant has not been reported in individuals affected with hereditary cancer in the literature. This variant has not been identified in the general population by the Genome Aggregation Database (gnomAD). The available evidence is insufficient to determine the role of this variant in disease conclusively. Therefore, this variant is classified as a Variant of Uncertain Significance.

Labcorp Genetics (formerly Invitae), Labcorp
Classification: Uncertain significance for Familial adenomatous polyposis 1. Last evaluated: 2024-01-09. Review status: criteria provided, single submitter. Criteria: Invitae Variant Classification Sherloc (09022015). Collection method: clinical testing. Allele origin: germline.
Comment: This sequence change replaces aspartic acid, which is acidic and polar, with valine, which is neutral and non-polar, at codon 1871 of the APC protein (p.Asp1871Val). This variant is not present in population databases (gnomAD no frequency). This variant has not been reported in the literature in individuals affected with APC-related conditions. ClinVar contains an entry for this variant (Variation ID: 630778). Advanced modeling of protein sequence and biophysical properties (such as structural, functional, and spatial information, amino acid conservation, physicochemical variation, residue mobility, and thermodynamic stability) performed at Invitae indicates that this missense variant is not expected to disrupt APC protein function with a negative predictive value of 95%. In summary, the available evidence is currently insufficient to determine the role of this variant in disease. Therefore, it has been classified as a Variant of Uncertain Significance.

GeneDx
Classification: Uncertain significance. Last evaluated: 2023-10-09. Review status: criteria provided, single submitter. Criteria: GeneDx Variant Classification Process June 2021. Collection method: clinical testing. Allele origin: germline. Affected: yes.
Comment: Not observed at significant frequency in large population cohorts (gnomAD); In silico analysis supports that this missense variant does not alter protein structure/function; Has not been previously published as pathogenic or benign to our knowledge; This variant is associated with the following publications: (PMID: 18199528)

All of Us Research Program, National Institutes of Health
Classification: Uncertain significance for Classic or attenuated familial adenomatous polyposis. Last evaluated: 2023-09-17. Review status: criteria provided, single submitter. Criteria: ACMG Guidelines, 2015. Collection method: clinical testing. Allele origin: germline. Inheritance: Autosomal dominant inheritance. Observed: 2 variant alleles, 2 heterozygotes.
Comment: This missense variant replaces aspartic acid with valine at codon 1871 of the APC protein. Computational prediction is inconclusive regarding the impact of this variant on protein structure and function (internally defined REVEL score threshold 0.5 < inconclusive < 0.7, PMID: 27666373). To our knowledge, functional studies have not been reported for this variant. This variant has not been reported in individuals affected with hereditary cancer in the literature. This variant has not been identified in the general population by the Genome Aggregation Database (gnomAD). The available evidence is insufficient to determine the role of this variant in disease conclusively. Therefore, this variant is classified as a Variant of Uncertain Significance.

This study involves interpretation of variants in research participants for the purpose of population health screening. Participant phenotype was not available at the time of variant classification. Additional details can be found in publication PMID: 35346344, PMCID: PMC8962531

NM_000038.6(APC):c.5612A>T (p.Asp1871Val)

Gene: APC (APC regulator of Wnt signaling pathway; plus strand). Cytogenetic location: 5q22.2.
Variant type: single nucleotide variant.
Coding change: c.5612A>T on transcript NM_000038.6 (MANE Select); coding-DNA position 5612, A replaced by T.
Protein change: p.Asp1871Val; replaces aspartic acid 1871 with valine.
Molecular consequence: missense variant.
Genome position (GRCh38, 1-based): chr5:112,841,206, A>T. VCF-style: chr5-112841206-A-T. GRCh37 (hg19) VCF-style: chr5-112176903-A-T.
Other names: c.5612A>T, p.Asp1871Val (NM_001127510.3, NM_001354895.2); c.5558A>T, p.Asp1853Val (NM_001127511.3); c.5666A>T, p.Asp1889Val (NM_001354896.2); c.5642A>T, p.Asp1881Val (NM_001354897.2); c.5537A>T, p.Asp1846Val (NM_001354898.2); c.5528A>T, p.Asp1843Val (NM_001354899.2); c.5489A>T, p.Asp1830Val (NM_001354900.2); c.5435A>T, p.Asp1812Val (NM_001354901.2); and 5 more; short protein forms D1853V, D1871V, D1770V, D1711V, D1745V, D1846V, D1889V, D1780V.
Identifiers: ClinVar variation 630778 (VCV000630778.18), dbSNP rs1561601349, ClinGen allele CA16033616.